The following is an entry in ClinVar:

ClinVar aggregate classification (germline): Uncertain significance (1 of 4 stars; one submission).

Conditions:
Cardiovascular phenotype. Identifiers: MedGen CN230736.

Submission:

Ambry Genetics
Classification: Uncertain significance for Cardiovascular phenotype. Last evaluated: 2025-05-18. Review status: criteria provided, single submitter. Criteria: Ambry Variant Classification Scheme 2023. Collection method: clinical testing. Allele origin: germline.
Comment: The p.P481T variant (also known as c.1441C>A), located in coding exon 10 of the CBL gene, results from a C to A substitution at nucleotide position 1441. The proline at codon 481 is replaced by threonine, an amino acid with highly similar properties. This amino acid position is conserved. In addition, the in silico prediction for this alteration is inconclusive. Based on the available evidence, the clinical significance of this variant remains unclear.

NM_005188.4(CBL):c.1441C>A (p.Pro481Thr)

Gene: CBL (Cbl proto-oncogene; plus strand). Cytogenetic location: 11q23.3.
Variant type: single nucleotide variant.
Coding change: c.1441C>A on transcript NM_005188.4 (MANE Select); coding-DNA position 1441, C replaced by A.
Protein change: p.Pro481Thr; replaces proline 481 with threonine.
Molecular consequence: missense variant.
Genome position (GRCh38, 1-based): chr11:119,284,978, C>A. VCF-style: chr11-119284978-C-A. GRCh37 (hg19) VCF-style: chr11-119155688-C-A.
Other names: short protein forms P481T.
Identifiers: ClinVar variation 3996059 (VCV003996059.1).